The following is an entry in ClinVar:

NM_032242.4(PLXNA1):c.5633G>A (p.Arg1878Gln)

Gene: PLXNA1 (plexin A1; plus strand). Cytogenetic location: 3q21.3.
Variant type: single nucleotide variant.
Coding change: c.5633G>A on transcript NM_032242.4 (MANE Select); coding-DNA position 5633, G replaced by A.
Protein change: p.Arg1878Gln; replaces arginine 1878 with glutamine.
Molecular consequence: missense variant.
Genome position (GRCh38, 1-based): chr3:127,033,959, G>A. VCF-style: chr3-127033959-G-A. GRCh37 (hg19) VCF-style: chr3-126752802-G-A.
Other names: short protein forms R1878Q.
Identifiers: ClinVar variation 3036511 (VCV003036511.4), dbSNP rs142886279, ClinGen allele CA2594746.
Genomic context (GRCh38, chr3:127,033,959, plus strand): 5'-TGACAGTTCTCCTGGCCCTGCAGATCCTGGCAGCCCTGGAGAAGGATGAGCAGGCGCGGC[G>A]GCAGCGGCTGCGGAGCAAGCTGGAGCAGGTGGTGGACACGATGGCCCTGAGCAGCTGAGC-3'
Protein context (NP_115618.3, residues 1868-1888): AALEKDEQAR[Arg1878Gln]QRLRSKLEQV

ClinVar aggregate classification (germline): Uncertain significance. Review status: criteria provided, multiple submitters, no conflicts (2 of 4 stars). 2 submissions from 2 submitters: Uncertain significance (2). Last evaluated 2025-09-30.

Conditions:
PLXNA1-related disorder. Also called: PLXNA1-related condition.

Allele frequency attached by ClinVar (database versions not stated): gnomAD 0.00001; TOPMed 0.00001; ExAC 0.00002; gnomAD exomes 0.00002; ESP Exome Variant Server 0.00008.
gnomAD v4.1: 35 of 1,605,896 alleles (0.0022%); highest among the groups gnomAD compares: Non-Finnish European, 0.0025%; no homozygotes.

Submissions (2):

PreventionGenetics, part of Exact Sciences
Classification: Uncertain significance for PLXNA1-related condition. Last evaluated: 2025-09-30. Review status: criteria provided, single submitter. Criteria: ACMG Guidelines, 2015. Collection method: clinical testing. Allele origin: germline.
Comment: The PLXNA1 c.5633G>A variant is predicted to result in the amino acid substitution p.Arg1878Gln. To our knowledge, this variant has not been reported in the literature. This variant is reported in 0.010% of alleles in individuals of East Asian descent in gnomAD. At this time, the clinical significance of this variant is uncertain due to the absence of conclusive functional and genetic evidence.

Ambry Genetics
Classification: Uncertain significance. Last evaluated: 2024-07-09. Review status: criteria provided, single submitter. Criteria: Ambry Variant Classification Scheme 2023. Collection method: clinical testing. Allele origin: germline.